The following is an entry in ClinVar:

NM_001170535.3(ATAD3A):c.298G>A (p.Val100Met)

Gene: ATAD3A (ATPase family AAA domain containing 3A; plus strand). Cytogenetic location: 1p36.33.
Variant type: single nucleotide variant.
Coding change: c.298G>A on transcript NM_001170535.3 (MANE Select); coding-DNA position 298, G replaced by A.
Protein change: p.Val100Met; replaces valine 100 with methionine.
Molecular consequence: missense variant.
Genome position (GRCh38, 1-based): chr1:1,517,326, G>A. VCF-style: chr1-1517326-G-A. GRCh37 (hg19) VCF-style: chr1-1452706-G-A.
Other names: c.61G>A, p.Val21Met (NM_001170536.3); c.442G>A, p.Val148Met (NM_018188.5); short protein forms V100M, V148M, V21M.
Identifiers: ClinVar variation 1298395 (VCV001298395.35), dbSNP rs200230792, ClinGen allele CA525690.
Genomic context (GRCh38, chr1:1,517,326, plus strand): 5'-GCCAGCCCTGAGCAAGTGCCAGCTGGTGAGTGCTGTGCTCTGCAGGAGTATGAGGCCGCC[G>A]TGGAGCAGCTCAAGAGCGAGCAGATCCGGGCGCAGGCTGAGGAGAGGAGGAAGACCCTGA-3'
Protein context (NP_001164006.1, residues 90-110): QSKLKEYEAA[Val100Met]EQLKSEQIRA

ClinVar aggregate classification (germline): Benign (1 of 4 stars; one submission).

Allele frequency attached by ClinVar (database versions not stated): TOPMed 0.00056; ExAC 0.00070; gnomAD exomes 0.00102 and 0.00170; 1000 Genomes Project 30x 0.00125; 1000 Genomes Project 0.00140; gnomAD 0.00170 and 0.00173.
gnomAD v4.1: 1,664 of 1,545,556 alleles (0.11%); highest among the groups gnomAD compares: Non-Finnish European, 0.078%; 11 homozygotes.

Submission:

CeGaT Center for Human Genetics Tuebingen
Classification: Benign. Last evaluated: 2025-12-01. Review status: criteria provided, single submitter. Criteria: CeGaT Center For Human Genetics Tuebingen Variant Classification Criteria Version 2. Collection method: clinical testing. Allele origin: germline. Affected: yes. Observed: 9 variant alleles.
Comment: ATAD3A: BS1, BS2